The following is an entry in ClinVar:

ClinVar aggregate classification (germline): Uncertain significance (1 of 4 stars; one submission).

gnomAD v4.1: 1 of 1,614,038 alleles (0.000062%); highest among the groups gnomAD compares: Non-Finnish European, 0.000085%; no homozygotes.

Submission:

Labcorp Genetics (formerly Invitae), Labcorp
Classification: Uncertain significance. Last evaluated: 2022-09-06. Review status: criteria provided, single submitter. Criteria: Invitae Variant Classification Sherloc (09022015). Collection method: clinical testing. Allele origin: germline.
Comment: In summary, the available evidence is currently insufficient to determine the role of this variant in disease. Therefore, it has been classified as a Variant of Uncertain Significance. Algorithms developed to predict the effect of missense changes on protein structure and function are either unavailable or do not agree on the potential impact of this missense change (SIFT: "Not Available"; PolyPhen-2: "Possibly Damaging"; Align-GVGD: "Not Available"). This variant has not been reported in the literature in individuals affected with CDH3-related conditions. This variant is not present in population databases (gnomAD no frequency). This sequence change replaces aspartic acid, which is acidic and polar, with glutamic acid, which is acidic and polar, at codon 586 of the CDH3 protein (p.Asp586Glu).

NM_001793.6(CDH3):c.1758C>G (p.Asp586Glu)

Gene: CDH3 (cadherin 3; plus strand). Cytogenetic location: 16q22.1.
Variant type: single nucleotide variant.
Coding change: c.1758C>G on transcript NM_001793.6 (MANE Select); coding-DNA position 1758, C replaced by G.
Protein change: p.Asp586Glu; replaces aspartic acid 586 with glutamic acid.
Molecular consequence: missense variant.
Genome position (GRCh38, 1-based): chr16:68,687,699, C>G. VCF-style: chr16-68687699-C-G. GRCh37 (hg19) VCF-style: chr16-68721602-C-G.
Other names: c.1758C>G, p.Asp586Glu (NM_001317195.3); c.1593C>G, p.Asp531Glu (NM_001317196.2); short protein forms D531E, D586E.
Identifiers: ClinVar variation 1715540 (VCV001715540.5), dbSNP rs776873219, ClinGen allele CA283283108.